The following is an entry in ClinVar:

ClinVar aggregate classification (germline): Likely pathogenic (1 of 4 stars; one submission).

Conditions:
Houge-Janssens syndrome 3. Also called: NEURODEVELOPMENTAL DISORDER AND LANGUAGE DELAY WITH OR WITHOUT STRUCTURAL BRAIN ABNORMALITIES. Identifiers: MedGen C5193048, MONDO:0032697, OMIM 618354.

Submission:

SIB Swiss Institute of Bioinformatics
Classification: Likely pathogenic for Houge-Janssens syndrome 3. Last evaluated: 2019-07-15. Review status: criteria provided, single submitter. Criteria: ACMG Guidelines, 2015. Collection method: curation. Allele origin: unknown.
Comment: This variant is interpreted as a Likely pathogenic for Neurodevelopmental disorder and language delay with or without structural brain abnormalities, autosomal dominant. The following ACMG Tag(s) were applied: PM2, PM6, PP3, PS3-Moderate.

Literature cited by the submitters: PubMed 30595372.

NM_002715.4(PPP2CA):c.391G>C (p.Asp131His)

Gene: PPP2CA (protein phosphatase 2 catalytic subunit alpha; minus strand). Cytogenetic location: 5q31.1.
Variant type: single nucleotide variant.
Coding change: c.391G>C on transcript NM_002715.4 (MANE Select); coding-DNA position 391, G replaced by C.
Protein change: p.Asp131His; replaces aspartic acid 131 with histidine.
Molecular consequence: missense variant. On other transcripts: non-coding transcript variant (1).
Genome position (GRCh38, 1-based): chr5:134,201,943, C>G on the plus strand (G>C on the coding strand, the complement: PPP2CA is on the minus strand). VCF-style: chr5-134201943-C-G. GRCh37 (hg19) VCF-style: chr5-133537634-C-G.
Other names: c.196G>C, p.Asp66His (NM_001355019.2); short protein forms D131H, D66H.
Identifiers: ClinVar variation 692144 (VCV000692144.1), dbSNP rs1580637673, ClinGen allele CA360993113.